The following is an entry in ClinVar:

ClinVar aggregate classification (germline): Likely pathogenic (1 of 4 stars; one submission).

Conditions:
IL1RN-related disorder. Also called: IL1RN-related condition.

Submission:

PreventionGenetics, part of Exact Sciences
Classification: Likely pathogenic for IL1RN-related condition. Last evaluated: 2022-12-29. Review status: criteria provided, single submitter. Criteria: ACMG Guidelines, 2015. Collection method: clinical testing. Allele origin: germline.
Comment: The IL1RN c.150delC variant is predicted to result in a frameshift and premature protein termination (p.Phe51Serfs*3). This variant has been reported in an individual with interleukin 1 receptor antagonist deficiency (Stenerson et al 2011. PubMed ID: 21792839). This variant has not been reported in a large population database, indicating this variant is rare. Frameshift variants in IL1RN are expected to be pathogenic. This variant is interpreted as likely pathogenic.

NM_173842.3(IL1RN):c.141del (p.Phe48fs)

Gene: IL1RN (interleukin 1 receptor antagonist; plus strand). Cytogenetic location: 2q14.1.
Variant type: Deletion.
Coding change: c.141del on transcript NM_173842.3 (MANE Select); coding-DNA position 141, one base deleted (C; older notation c.141delC).
Protein change: p.Phe48fs; shifts the reading frame from phenylalanine 48.
Molecular consequence: frameshift variant.
Genome position (GRCh38, 1-based): chr2:113,129,600, C deleted; the last of 2 consecutive C bases (chr2:113,129,599-113,129,600); deleting either gives the same sequence. VCF-style (leftmost placement, unchanged base first): chr2-113129598-AC-A. GRCh37 (hg19) VCF-style: chr2-113887175-AC-A.
Other names: c.87del, p.Phe30fs (NM_000577.5); c.39del, p.Phe14fs (NM_001318914.2, NM_001379360.1, NM_173843.3); c.150del, p.Phe51fs (NM_173841.3); short protein forms F14fs, F30fs, F48fs, F51fs.
Identifiers: ClinVar variation 2629610 (VCV002629610.1), dbSNP rs1011480433, ClinGen allele CA53694878.